The following is an entry in ClinVar:

ClinVar aggregate classification (germline): Likely pathogenic (1 of 4 stars; one submission).

Submission:

GeneDx
Classification: Likely pathogenic. Last evaluated: 2024-03-14. Review status: criteria provided, single submitter. Criteria: GeneDx Variant Classification Process June 2021. Collection method: clinical testing. Allele origin: germline. Affected: yes.
Comment: Not observed at significant frequency in large population cohorts (gnomAD); In silico analysis supports that this missense variant has a deleterious effect on protein structure/function; Has not been previously published as pathogenic or benign to our knowledge

NM_003797.5(EED):c.282A>C (p.Gln94His)

Gene: EED (embryonic ectoderm development; plus strand). Cytogenetic location: 11q14.2.
Variant type: single nucleotide variant.
Coding change: c.282A>C on transcript NM_003797.5 (MANE Select); coding-DNA position 282, A replaced by C.
Protein change: p.Gln94His; replaces glutamine 94 with histidine.
Molecular consequence: missense variant.
Genome position (GRCh38, 1-based): chr11:86,252,162, A>C. VCF-style: chr11-86252162-A-C. GRCh37 (hg19) VCF-style: chr11-85963204-A-C.
Other names: c.282A>C, p.Gln94His (NM_001308007.2, NM_001330334.2); short protein forms Q94H.
Identifiers: ClinVar variation 3572541 (VCV003572541.1).